The following is an entry in ClinVar:

NM_005263.5(GFI1):c.472G>A (p.Ala158Thr)

Gene: GFI1 (growth factor independent 1 transcriptional repressor; minus strand). Cytogenetic location: 1p22.1.
Variant type: single nucleotide variant.
Coding change: c.472G>A on transcript NM_005263.5 (MANE Select); coding-DNA position 472, G replaced by A.
Protein change: p.Ala158Thr; replaces alanine 158 with threonine.
Molecular consequence: missense variant.
Genome position (GRCh38, 1-based): chr1:92,480,915, C>T on the plus strand (G>A on the coding strand, the complement: GFI1 is on the minus strand). VCF-style: chr1-92480915-C-T. GRCh37 (hg19) VCF-style: chr1-92946472-C-T.
Other names: c.472G>A, p.Ala158Thr (NM_001127215.3, NM_001127216.3); short protein forms A158T.
Identifiers: ClinVar variation 3519843 (VCV003519843.1).
Genomic context (GRCh38, chr1:92,480,915, plus strand): 5'-CCGCGCCGCCGGCAGCCCGCTTCGGGCCGTACAGCGCGGCCGGGTGGCCAGGCTCCGGGG[C>T]GGGTTCGCAGAAGAGGCCCAGGCCAGCGCCACGCTCCAGGGCCCCACACGGTCGGTAGCT-3'
Protein context (NP_005254.2, residues 148-168): GAGLGLFCEP[Ala158Thr]PEPGHPAALY

ClinVar aggregate classification (germline): Uncertain significance (1 of 4 stars; one submission).

gnomAD v4.1: 4 of 1,551,748 alleles (0.00026%); highest among the groups gnomAD compares: Admixed American, 0.0039%; no homozygotes.

Submission:

Ambry Genetics
Classification: Uncertain significance. Last evaluated: 2024-12-02. Review status: criteria provided, single submitter. Criteria: Ambry Variant Classification Scheme 2023. Collection method: clinical testing. Allele origin: germline.
Comment: The p.A158T variant (also known as c.472G>A), located in coding exon 3 of the GFI1 gene, results from a G to A substitution at nucleotide position 472. The alanine at codon 158 is replaced by threonine, an amino acid with similar properties. This amino acid position is conserved. In addition, this alteration is predicted to be tolerated by in silico analysis. Based on the available evidence, the clinical significance of this variant remains unclear.